The following is an entry in ClinVar:

ClinVar aggregate classification (germline): Uncertain significance (1 of 4 stars; one submission).

Allele frequency attached by ClinVar (database versions not stated): TOPMed below 0.00001; gnomAD 0.00001.

Submission:

CeGaT Center for Human Genetics Tuebingen
Classification: Uncertain significance. Last evaluated: 2023-04-01. Review status: criteria provided, single submitter. Criteria: CeGaT Center For Human Genetics Tuebingen Variant Classification Criteria Version 2. Collection method: clinical testing. Allele origin: germline. Affected: yes. Observed: 1 variant allele.
Comment: DNAH14: PM2, BP4

NM_001367479.1(DNAH14):c.11534-6A>G

Gene: DNAH14 (dynein axonemal heavy chain 14; plus strand). Cytogenetic location: 1q42.12.
Variant type: single nucleotide variant.
Coding change: c.11534-6A>G on transcript NM_001367479.1 (MANE Select); 6 bases into the intron before coding-DNA position 11534, A replaced by G.
Molecular consequence: intron variant.
Genome position (GRCh38, 1-based): chr1:225,353,797, A>G. VCF-style: chr1-225353797-A-G. GRCh37 (hg19) VCF-style: chr1-225541499-A-G.
Identifiers: ClinVar variation 2639952 (VCV002639952.24), dbSNP rs1485614084, ClinGen allele CA529132871.
Genomic context (GRCh38, chr1:225,353,797, plus strand): 5'-GATATGTTTTAATGATAAAAAGTATTTGACTGTTAATGCCAGTTTCTTTCTCTAAATTAT[A>G]TCTAGCTGAACTTTTGAATGAAAATAAAGAAACGTGTAATCCTATAAATTTTCCCTGGGA-3'